The following is an entry in ClinVar:

NM_000018.4(ACADVL):c.1457G>T (p.Gly486Val)

Gene: ACADVL (acyl-CoA dehydrogenase very long chain; plus strand). Cytogenetic location: 17p13.1.
Variant type: single nucleotide variant.
Coding change: c.1457G>T on transcript NM_000018.4 (MANE Select); coding-DNA position 1457, G replaced by T.
Protein change: p.Gly486Val; replaces glycine 486 with valine.
Molecular consequence: missense variant.
Genome position (GRCh38, 1-based): chr17:7,224,168, G>T. VCF-style: chr17-7224168-G-T. GRCh37 (hg19) VCF-style: chr17-7127487-G-T.
Other names: c.1391G>T, p.Gly464Val (NM_001033859.3); c.1526G>T, p.Gly509Val (NM_001270447.2); c.1229G>T, p.Gly410Val (NM_001270448.2); short protein forms G410V, G486V, G509V, G464V.
Identifiers: ClinVar variation 2052415 (VCV002052415.2), dbSNP rs773274279, ClinGen allele CA397725170.

ClinVar aggregate classification (germline): Uncertain significance (1 of 4 stars; one submission).

Conditions:
Very long chain acyl-CoA dehydrogenase deficiency (ACADVLD). Also called: VLCAD Deficiency; Very Long-Chain Acyl-Coenzyme A Dehydrogenase Deficiency. Identifiers: Orphanet 26793, MedGen C3887523, MONDO:0008723, OMIM 201475.

Allele frequency attached by ClinVar (database versions not stated): TOPMed below 0.00001.
gnomAD v4.1: 9 of 1,614,138 alleles (0.00056%); highest among the groups gnomAD compares: Non-Finnish European, 0.00076%; no homozygotes.

Submission:

Labcorp Genetics (formerly Invitae), Labcorp
Classification: Uncertain significance for Very long chain acyl-CoA dehydrogenase deficiency. Last evaluated: 2024-01-22. Review status: criteria provided, single submitter. Criteria: Invitae Variant Classification Sherloc (09022015). Collection method: clinical testing. Allele origin: germline.
Comment: This sequence change replaces glycine, which is neutral and non-polar, with valine, which is neutral and non-polar, at codon 486 of the ACADVL protein (p.Gly486Val). This variant is not present in population databases (gnomAD no frequency). This variant has not been reported in the literature in individuals affected with ACADVL-related conditions. ClinVar contains an entry for this variant (Variation ID: 2052415). Advanced modeling of protein sequence and biophysical properties (such as structural, functional, and spatial information, amino acid conservation, physicochemical variation, residue mobility, and thermodynamic stability) has been performed at Invitae for this missense variant, however the output from this modeling did not meet the statistical confidence thresholds required to predict the impact of this variant on ACADVL protein function. In summary, the available evidence is currently insufficient to determine the role of this variant in disease. Therefore, it has been classified as a Variant of Uncertain Significance.